The following is an entry in ClinVar:

ClinVar aggregate classification (germline): Uncertain significance (1 of 4 stars; one submission).

Allele frequency attached by ClinVar (database versions not stated): gnomAD exomes below 0.00001 and 0.00001; ExAC 0.00001; gnomAD 0.00001 and 0.00003; TOPMed 0.00001.
gnomAD v4.1: 9 of 1,607,854 alleles (0.00056%); highest among the groups gnomAD compares: Admixed American, 0.005%; 1 homozygote.

Submission:

Labcorp Genetics (formerly Invitae), Labcorp
Classification: Uncertain significance. Last evaluated: 2025-09-20. Review status: criteria provided, single submitter. Criteria: Invitae Variant Classification Sherloc (09022015). Collection method: clinical testing. Allele origin: germline.
Comment: This sequence change replaces phenylalanine, which is neutral and non-polar, with serine, which is neutral and polar, at codon 445 of the ERBIN protein (p.Phe445Ser). This variant is present in population databases (rs759281396, gnomAD 0.003%). This missense change has been observed in individual(s) with neurodevelopmental disorder (PMID: 28191889). ClinVar contains an entry for this variant (Variation ID: 1401829). An algorithm developed to predict the effect of missense changes on protein structure and function (PolyPhen-2) suggests that this variant is likely to be disruptive. In summary, the available evidence is currently insufficient to determine the role of this variant in disease. Therefore, it has been classified as a Variant of Uncertain Significance.

Literature cited by the submitters: PubMed 28191889.

NM_001253697.2(ERBIN):c.1334T>C (p.Phe445Ser)

Gene: ERBIN (erbb2 interacting protein; plus strand). Cytogenetic location: 5q12.3.
Variant type: single nucleotide variant.
Coding change: c.1334T>C on transcript NM_001253697.2 (MANE Select); coding-DNA position 1334, T replaced by C.
Protein change: p.Phe445Ser; replaces phenylalanine 445 with serine.
Molecular consequence: missense variant.
Genome position (GRCh38, 1-based): chr5:66,043,104, T>C. VCF-style: chr5-66043104-T-C. GRCh37 (hg19) VCF-style: chr5-65338932-T-C.
Other names: c.1334T>C, p.Phe445Ser (NM_001006600.3, NM_001253698.2, NM_001253699.2 and 2 more transcripts); short protein forms F445S.
Identifiers: ClinVar variation 1401829 (VCV001401829.8), dbSNP rs759281396, ClinGen allele CA3286236.